The following is an entry in ClinVar:

ClinVar aggregate classification (germline): Uncertain significance (0 of 4 stars; one submission).

Allele frequency attached by ClinVar (database versions not stated): TOPMed 0.00006; gnomAD 0.00011 and 0.00008; ExAC 0.00008.

Submission:

Richard Lifton Laboratory, Yale University School of Medicine
Classification: Uncertain significance. Review status: no assertion criteria provided. Collection method: not provided. Allele origin: somatic.
Comment: C20orf141
ClinVar note: Converted during submission from unknown to Uncertain significance.

NM_001256538.2(C20orf141):c.265G>A (p.Ala89Thr)

Gene: C20orf141 (chromosome 20 open reading frame 141; plus strand). Cytogenetic location: 20p13.
Variant type: single nucleotide variant.
Coding change: c.265G>A on transcript NM_001256538.2 (MANE Select); coding-DNA position 265, G replaced by A.
Protein change: p.Ala89Thr; replaces alanine 89 with threonine.
Molecular consequence: missense variant.
Genome position (GRCh38, 1-based): chr20:2,815,542, G>A. VCF-style: chr20-2815542-G-A. GRCh37 (hg19) VCF-style: chr20-2796188-G-A.
Other names: c.265G>A, p.Ala89Thr (NM_080739.2); short protein forms A89T.
Identifiers: ClinVar variation 92024 (VCV000092024.2), dbSNP rs386352285, ClinGen allele CA232372.
Genomic context (GRCh38, chr20:2,815,542, plus strand): 5'-CGGGCGGGCCAGTGGACAACTTCCCTAAGCCCAGTCACCACCCTCTCTCTCCACAGGCCC[G>A]CAGGTCACACTCTGCCACAGCGCAAACTTCTCACCAGGGGCCAGAGTCAGGGGGCCGGTG-3'
Protein context (NP_001243467.1, residues 79-99): FLTFDLLHRP[Ala89Thr]GHTLPQRKLL